The following is an entry in ClinVar:

NM_001164508.2(NEB):c.20266A>G (p.Ile6756Val)

Gene: NEB (nebulin; minus strand). Cytogenetic location: 2q23.3.
Variant type: single nucleotide variant.
Coding change: c.20266A>G on transcript NM_001164508.2 (MANE Select); coding-DNA position 20266, A replaced by G.
Protein change: p.Ile6756Val; replaces isoleucine 6756 with valine.
Molecular consequence: missense variant.
Genome position (GRCh38, 1-based): chr2:151,547,530, T>C on the plus strand (A>G on the coding strand, the complement: NEB is on the minus strand). VCF-style: chr2-151547530-T-C. GRCh37 (hg19) VCF-style: chr2-152404044-T-C.
Other names: c.20266A>G, p.Ile6756Val (NM_001164507.2, NM_001271208.2); c.15163A>G, p.Ile5055Val (NM_004543.5); short protein forms I6756V, I5055V.
Identifiers: ClinVar variation 4984752 (VCV004984752.1).

ClinVar aggregate classification (germline): Uncertain significance (1 of 4 stars; one submission).

Conditions:
NEB-related disorder. Also called: NEB-Related Disorders; NEB-related condition.

gnomAD v4.1: 26 of 1,601,386 alleles (0.0016%); highest among the groups gnomAD compares: East Asian, 0.052%; no homozygotes.

Submission:

PreventionGenetics, part of Exact Sciences
Classification: Uncertain significance for NEB-related condition. Last evaluated: 2026-06-04. Review status: criteria provided, single submitter. Criteria: ACMG Guidelines, 2015. Collection method: clinical testing. Allele origin: germline.
Comment: The NEB c.20266A>G variant is predicted to result in the amino acid substitution p.Ile6756Val. To our knowledge, this variant has not been reported in the literature. This variant is reported in 0.0061% of alleles in individuals of East Asian descent in gnomAD. At this time, the clinical significance of this variant is uncertain due to the absence of conclusive functional and genetic evidence.